The following is an entry in ClinVar:

ClinVar aggregate classification (germline): Pathogenic (1 of 4 stars; one submission).

Conditions:
Desmin-related myofibrillar myopathy (MFM1). Also called: Desminopathy; Desmin related myopathy (former name); Desmin storage myopathy (former name); MYOFIBRILLAR MYOPATHY WITH ARRHYTHMOGENIC RIGHT VENTRICULAR CARDIOMYOPATHY; DESMIN-RELATED MYOPATHY WITH ARRHYTHMOGENIC RIGHT VENTRICULAR CARDIOMYOPATHY; Myofibrillar myopathy 1. Identifiers: Orphanet 363543, Orphanet 98909, MedGen C1832370, MONDO:0011076, OMIM 601419.

Submission:

Labcorp Genetics (formerly Invitae), Labcorp
Classification: Pathogenic for Desmin-related myofibrillar myopathy. Last evaluated: 2022-07-05. Review status: criteria provided, single submitter. Criteria: Invitae Variant Classification Sherloc (09022015). Collection method: clinical testing. Allele origin: germline.
Comment: For these reasons, this variant has been classified as Pathogenic. ClinVar contains an entry for this variant (Variation ID: 411124). This variant has not been reported in the literature in individuals affected with DES-related conditions. This variant is not present in population databases (gnomAD no frequency). This sequence change creates a premature translational stop signal (p.Gln132*) in the DES gene. It is expected to result in an absent or disrupted protein product. Loss-of-function variants in DES are known to be pathogenic (PMID: 23575897).

Literature cited by the submitters: PubMed 23575897.

NM_001927.4(DES):c.394C>T (p.Gln132Ter)

Gene: DES (desmin; plus strand). Cytogenetic location: 2q35.
Variant type: single nucleotide variant.
Coding change: c.394C>T on transcript NM_001927.4 (MANE Select); coding-DNA position 394, C replaced by T.
Protein change: p.Gln132Ter; replaces glutamine 132 with a stop codon.
Molecular consequence: nonsense.
Genome position (GRCh38, 1-based): chr2:219,418,856, C>T. VCF-style: chr2-219418856-C-T. GRCh37 (hg19) VCF-style: chr2-220283578-C-T.
Other names: c.394C>T (LRG_380t1); short protein forms Q132*.
Identifiers: ClinVar variation 411124 (VCV000411124.49), dbSNP rs1060503165, ClinGen allele CA16610670.